The following is an entry in ClinVar:

ClinVar aggregate classification (germline): Uncertain significance (1 of 4 stars; one submission).

Allele frequency attached by ClinVar (database versions not stated): gnomAD 0.00001; TOPMed 0.00001; ExAC 0.00002; gnomAD exomes 0.00002; 1000 Genomes Project 30x 0.00016; 1000 Genomes Project 0.00020.
gnomAD v4.1: 32 of 1,609,248 alleles (0.002%); highest among the groups gnomAD compares: African/African-American, 0.0053%; no homozygotes.

Submission:

Labcorp Genetics (formerly Invitae), Labcorp
Classification: Uncertain significance. Last evaluated: 2024-05-26. Review status: criteria provided, single submitter. Criteria: Invitae Variant Classification Sherloc (09022015). Collection method: clinical testing. Allele origin: germline.
Comment: This sequence change replaces threonine, which is neutral and polar, with methionine, which is neutral and non-polar, at codon 141 of the MECOM protein (p.Thr141Met). This variant is present in population databases (rs191082304, gnomAD 0.01%). This variant has not been reported in the literature in individuals affected with MECOM-related conditions. An algorithm developed to predict the effect of missense changes on protein structure and function (PolyPhen-2) suggests that this variant is likely to be disruptive. In summary, the available evidence is currently insufficient to determine the role of this variant in disease. Therefore, it has been classified as a Variant of Uncertain Significance.

NM_004991.4(MECOM):c.986C>T (p.Thr329Met)

Gene: MECOM (MDS1 and EVI1 complex locus; minus strand). Cytogenetic location: 3q26.2.
Variant type: single nucleotide variant.
Coding change: c.986C>T on transcript NM_004991.4 (MANE Select); coding-DNA position 986, C replaced by T.
Protein change: p.Thr329Met; replaces threonine 329 with methionine.
Molecular consequence: missense variant.
Genome position (GRCh38, 1-based): chr3:169,121,202, G>A on the plus strand (C>T on the coding strand, the complement: MECOM is on the minus strand). VCF-style: chr3-169121202-G-A. GRCh37 (hg19) VCF-style: chr3-168838990-G-A.
Other names: c.425C>T, p.Thr142Met (NM_001366470.2, NM_001163999.2, NM_001366467.2 and 1 more transcripts); c.422C>T, p.Thr141Met (NM_001366471.2, NM_001366472.2, NM_001366474.2 and 5 more transcripts); c.986C>T, p.Thr329Met (NM_001366473.2, NM_001366466.2); c.617C>T, p.Thr206Met (NM_001105077.4); short protein forms T206M, T329M, T142M, T141M.
Identifiers: ClinVar variation 2793694 (VCV002793694.3), dbSNP rs191082304, ClinGen allele CA2696406.